The following is an entry in ClinVar:

NM_004984.4(KIF5A):c.2434-8G>C

Gene: KIF5A (kinesin family member 5A; plus strand). Cytogenetic location: 12q13.3.
Variant type: single nucleotide variant.
Coding change: c.2434-8G>C on transcript NM_004984.4 (MANE Select); 8 bases into the intron before coding-DNA position 2434, G replaced by C.
Molecular consequence: intron variant.
Genome position (GRCh38, 1-based): chr12:57,578,230, G>C. VCF-style: chr12-57578230-G-C. GRCh37 (hg19) VCF-style: chr12-57972013-G-C.
Other names: c.2167-8G>C (NM_001354705.2).
Identifiers: ClinVar variation 3057866 (VCV003057866.2), dbSNP rs769329345, ClinGen allele CA2597295599.

ClinVar aggregate classification (germline): Likely benign (0 of 4 stars; one submission).

Conditions:
KIF5A-related disorder. Also called: KIF5A-related disorders; KIF5A-related condition.

gnomAD v4.1: 2 of 1,612,152 alleles (0.00012%); highest among the groups gnomAD compares: Middle Eastern, 0.033%; no homozygotes.

Submission:

PreventionGenetics, part of Exact Sciences
Classification: Likely benign for KIF5A-related condition. Last evaluated: 2019-03-12. Review status: no assertion criteria provided. Collection method: clinical testing. Allele origin: germline.
Comment: This variant is classified as likely benign based on ACMG/AMP sequence variant interpretation guidelines (Richards et al. 2015 PMID: 25741868, with internal and published modifications).